The following is an entry in ClinVar:

ClinVar aggregate classification (germline): Uncertain significance. Review status: criteria provided, multiple submitters, no conflicts (2 of 4 stars). 3 submissions from 3 submitters: Uncertain significance (3). Last evaluated 2022-08-23.

Conditions:
COL6A3-related disorder. Also called: COL6A3-related condition; COL6A3-related disorders.
Bethlem myopathy 1A. Also called: Bethlem myopathy 1; MYOPATHY, BENIGN CONGENITAL, WITH CONTRACTURES; Bethlem Muscular Dystrophy. Identifiers: Orphanet 610, MedGen CN029274, MONDO:0024530, OMIM 158810.

Allele frequency attached by ClinVar (database versions not stated): gnomAD 0.00001; gnomAD exomes 0.00001; ExAC 0.00002; 1000 Genomes Project 30x 0.00016; 1000 Genomes Project 0.00020.
gnomAD v4.1: 18 of 1,610,768 alleles (0.0011%); highest among the groups gnomAD compares: East Asian, 0.0067%; no homozygotes.

Submissions (3):

PreventionGenetics, part of Exact Sciences
Classification: Uncertain significance for COL6A3-related condition. Last evaluated: 2022-08-23. Review status: criteria provided, single submitter. Criteria: ACMG Guidelines, 2015. Collection method: clinical testing. Allele origin: germline.
Comment: The COL6A3 c.3715G>A variant is predicted to result in the amino acid substitution p.Asp1239Asn. To our knowledge, this variant has not been reported in the literature. This variant is reported in 0.0033% of alleles in individuals of South Asian descent in gnomAD. At this time, the clinical significance of this variant is uncertain due to the absence of conclusive functional and genetic evidence.

Labcorp Genetics (formerly Invitae), Labcorp
Classification: Uncertain significance for Bethlem myopathy 1A. Last evaluated: 2022-07-29. Review status: criteria provided, single submitter. Criteria: Invitae Variant Classification Sherloc (09022015). Collection method: clinical testing. Allele origin: germline.
Comment: In summary, the available evidence is currently insufficient to determine the role of this variant in disease. Therefore, it has been classified as a Variant of Uncertain Significance. Advanced modeling of protein sequence and biophysical properties (such as structural, functional, and spatial information, amino acid conservation, physicochemical variation, residue mobility, and thermodynamic stability) performed at Invitae indicates that this missense variant is expected to disrupt COL6A3 protein function. ClinVar contains an entry for this variant (Variation ID: 283399). This variant has not been reported in the literature in individuals affected with COL6A3-related conditions. This variant is present in population databases (rs563617159, gnomAD 0.003%). This sequence change replaces aspartic acid, which is acidic and polar, with asparagine, which is neutral and polar, at codon 1239 of the COL6A3 protein (p.Asp1239Asn).

Eurofins Ntd Llc (ga)
Classification: Uncertain significance. Last evaluated: 2015-09-14. Review status: criteria provided, single submitter. Criteria: EGL Classification Definitions 2015. Collection method: clinical testing. Allele origin: germline. Observed: 2 variant alleles, 2 heterozygotes.

NM_004369.4(COL6A3):c.3715G>A (p.Asp1239Asn)

Gene: COL6A3 (collagen type VI alpha 3 chain; minus strand). Cytogenetic location: 2q37.3.
Variant type: single nucleotide variant.
Coding change: c.3715G>A on transcript NM_004369.4 (MANE Select); coding-DNA position 3715, G replaced by A.
Protein change: p.Asp1239Asn; replaces aspartic acid 1239 with asparagine.
Molecular consequence: missense variant.
Genome position (GRCh38, 1-based): chr2:237,372,302, C>T on the plus strand (G>A on the coding strand, the complement: COL6A3 is on the minus strand). VCF-style: chr2-237372302-C-T. GRCh37 (hg19) VCF-style: chr2-238280945-C-T.
Other names: c.2494G>A, p.Asp832Asn (NM_057164.5); c.3097G>A, p.Asp1033Asn (NM_057165.5, NM_057167.4); c.1894G>A, p.Asp632Asn (NM_057166.5); c.3715G>A (NM_004369.3); short protein forms D1239N, D632N, D1033N, D832N.
Identifiers: ClinVar variation 283399 (VCV000283399.10), dbSNP rs563617159, ClinGen allele CA2189091.